The following is an entry in ClinVar:

ClinVar aggregate classification (germline): Uncertain significance (1 of 4 stars; one submission).

Allele frequency attached by ClinVar (database versions not stated): ExAC 0.00001; gnomAD exomes 0.00001; TOPMed 0.00003.
gnomAD v4.1: 5 of 1,207,845 alleles (0.00041%); highest among the groups gnomAD compares: Middle Eastern, 0.023%; no homozygotes.

Submission:

CeGaT Center for Human Genetics Tuebingen
Classification: Uncertain significance. Last evaluated: 2024-01-01. Review status: criteria provided, single submitter. Criteria: CeGaT Center For Human Genetics Tuebingen Variant Classification Criteria Version 2. Collection method: clinical testing. Allele origin: germline. Affected: yes. Observed: 1 variant allele.
Comment: GCNA: PM2, BP4

NM_052957.5(GCNA):c.871G>T (p.Asp291Tyr)

Gene: GCNA (germ cell nuclear acidic peptidase; plus strand). Cytogenetic location: Xq13.1.
Variant type: single nucleotide variant.
Coding change: c.871G>T on transcript NM_052957.5 (MANE Select); coding-DNA position 871, G replaced by T.
Protein change: p.Asp291Tyr; replaces aspartic acid 291 with tyrosine.
Molecular consequence: missense variant.
Genome position (GRCh38, 1-based): chrX:71,604,148, G>T. VCF-style: chrX-71604148-G-T. GRCh37 (hg19) VCF-style: chrX-70823998-G-T.
Other names: short protein forms D291Y.
Identifiers: ClinVar variation 3025388 (VCV003025388.22), dbSNP rs772620115, ClinGen allele CA10448148.
Genomic context (GRCh38, chrX:71,604,148, plus strand): 5'-GATTCGGAAGCTCCCGACGACAGCAGTGATGATTCGGAAGCTTCCGACGACAGCAGTGAT[G>T]ATTCGGAAGCTTCCGACGACAGCAGTGATGATTCGGAAGCTCCCGACGACAAGAGTGATG-3'
Protein context (NP_443189.1, residues 281-301): DSEASDDSSD[Asp291Tyr]SEASDDSSDD